The following is an entry in ClinVar:

NM_139058.3(ARX):c.1497del (p.Leu500fs)

Gene: ARX (aristaless related homeobox; minus strand). Cytogenetic location: Xp21.3.
Variant type: Deletion.
Coding change: c.1497del on transcript NM_139058.3 (MANE Select); coding-DNA position 1497, one base deleted (G; older notation c.1497delG).
Protein change: p.Leu500fs; shifts the reading frame from leucine 500.
Molecular consequence: frameshift variant.
Genome position (GRCh38, 1-based): chrX:25,004,862, C deleted on the plus strand (G on the coding strand, the reverse complement: ARX is on the minus strand). VCF-style (leftmost placement, unchanged base first): chrX-25004861-GC-G. GRCh37 (hg19) VCF-style: chrX-25022978-GC-G.
Other names: short protein forms L500fs.
Identifiers: ClinVar variation 2098307 (VCV002098307.4), dbSNP rs2519099414, ClinGen allele CA2580100517.
Genomic context (GRCh38, chrX:25,004,861, plus strand): 5'-GGTCGGCCAGGGCGCCCGATGCCACTGCGCCCTCCACGGCGGGTGTGGGCTGTCTCAGGA[GC>G]GCGGCCGCGGTCGACGCGCTGGTCAGGGGGGCCATTGTGGAAAAGAGCCTGCAGGGAGAG-3'

ClinVar aggregate classification (germline): Pathogenic (1 of 4 stars; one submission).

Conditions:
Developmental and epileptic encephalopathy, 1 (DEE1). Also called: Tonic spasms with clustering, arrest of psychomotor development and hypsarrhythmia on EEG; X-Linked Infantile Spasm Syndrome; X-linked infantile spasms; West's syndrome; OHTAHARA SYNDROME, X-LINKED; INFANTILE SPASM SYNDROME, X-LINKED 1. Identifiers: MedGen C3463992, MONDO:0010632, OMIM 308350. Disease mechanism: loss of function.
Intellectual disability, X-linked, with or without seizures, ARX-related. Also called: MENTAL RETARDATION, X-LINKED 29; MENTAL RETARDATION, X-LINKED 32; MENTAL RETARDATION, X-LINKED 33; MENTAL RETARDATION, X-LINKED 38; MENTAL RETARDATION, X-LINKED 43; MENTAL RETARDATION, X-LINKED 76. Identifiers: Orphanet 777, MedGen C0796244, MONDO:0010317, OMIM 300419.

Submission:

Labcorp Genetics (formerly Invitae), Labcorp
Classification: Pathogenic for Developmental and epileptic encephalopathy, 1; Intellectual disability, X-linked, with or without seizures, ARX-related. Last evaluated: 2022-08-09. Review status: criteria provided, single submitter. Criteria: Invitae Variant Classification Sherloc (09022015). Collection method: clinical testing. Allele origin: germline.
Comment: For these reasons, this variant has been classified as Pathogenic. This variant disrupts a region of the ARX protein in which other variant(s) (p.Arg527Alafs*5) have been determined to be pathogenic (PMID: 31623504). This suggests that this is a clinically significant region of the protein, and that variants that disrupt it are likely to be disease-causing. This variant has not been reported in the literature in individuals affected with ARX-related conditions. This variant is not present in population databases (gnomAD no frequency). This sequence change creates a premature translational stop signal (p.Leu500Serfs*2) in the ARX gene. While this is not anticipated to result in nonsense mediated decay, it is expected to disrupt the last 63 amino acid(s) of the ARX protein.

Literature cited by the submitters: PubMed 31623504.